The following is an entry in ClinVar:

ClinVar aggregate classification (germline): Conflicting classifications of pathogenicity. Review status: criteria provided, conflicting classifications (1 of 4 stars). 3 submissions from 3 submitters: Uncertain significance (2); Likely benign (1). Last evaluated 2026-06-05.

Conditions:
Cornelia de Lange syndrome 1 (CDLS1). Also called: TYPUS DEGENERATIVUS AMSTELODAMENSIS; Brachmann de Lange syndrome; NIPBL-Related Cornelia de Lange Syndrome. Identifiers: Orphanet 199, MedGen C4551851, MONDO:0007387, OMIM 122470.

gnomAD v4.1: 10 of 1,582,342 alleles (0.00063%); highest among the groups gnomAD compares: Admixed American, 0.0084%; no homozygotes.

Submissions (3):

Women's Health and Genetics/Laboratory Corporation of America, LabCorp
Classification: Uncertain significance. Last evaluated: 2026-06-05. Review status: criteria provided, single submitter. Criteria: LabCorp Variant Classification Summary - May 2015. Collection method: clinical testing. Allele origin: germline.
Comment: Variant summary: NIPBL c.868+4C>T alters a nucleotide located close to a canonical splice site and therefore could affect mRNA splicing, leading to a significantly altered protein sequence. Consensus agreement among computation tools predict no significant impact on normal splicing. However, these predictions have yet to be confirmed by functional studies. The variant was absent in 250126 control chromosomes. The available data on variant occurrences in the general population are insufficient to allow any conclusion about variant significance. To our knowledge, no occurrence of c.868+4C>T in individuals affected with NIPBL-related conditions and no experimental evidence demonstrating its impact on protein function have been reported. ClinVar contains an entry for this variant (Variation ID: 2733174). Based on the evidence outlined above, the variant was classified as uncertain significance.

Labcorp Genetics (formerly Invitae), Labcorp
Classification: Uncertain significance for Cornelia de Lange syndrome 1. Last evaluated: 2024-11-06. Review status: criteria provided, single submitter. Criteria: Invitae Variant Classification Sherloc (09022015). Collection method: clinical testing. Allele origin: germline.
Comment: This sequence change falls in intron 8 of the NIPBL gene. It does not directly change the encoded amino acid sequence of the NIPBL protein. It affects a nucleotide within the consensus splice site. This variant is not present in population databases (gnomAD no frequency). This variant has not been reported in the literature in individuals affected with NIPBL-related conditions. ClinVar contains an entry for this variant (Variation ID: 2733174). Variants that disrupt the consensus splice site are a relatively common cause of aberrant splicing (PMID: 17576681, 9536098). Algorithms developed to predict the effect of sequence changes on RNA splicing suggest that this variant is not likely to affect RNA splicing. In summary, the available evidence is currently insufficient to determine the role of this variant in disease. Therefore, it has been classified as a Variant of Uncertain Significance.

Fulgent Genetics
Classification: Likely benign for Cornelia de Lange syndrome 1. Last evaluated: 2024-06-15. Review status: criteria provided, single submitter. Criteria: ACMG Guidelines, 2015. Collection method: clinical testing. Allele origin: germline.

Literature cited by the submitters: PubMed 17576681 (cited by Labcorp Genetics (formerly Invitae), Labcorp); PubMed 9536098 (cited by Labcorp Genetics (formerly Invitae), Labcorp).

NM_133433.4(NIPBL):c.868+4C>T

Gene: NIPBL (NIPBL cohesin loading factor; plus strand). Cytogenetic location: 5p13.2.
Variant type: single nucleotide variant.
Coding change: c.868+4C>T on transcript NM_133433.4 (MANE Select); 4 bases into the intron after coding-DNA position 868, C replaced by T.
Molecular consequence: intron variant.
Genome position (GRCh38, 1-based): chr5:36,972,045, C>T. VCF-style: chr5-36972045-C-T. GRCh37 (hg19) VCF-style: chr5-36972147-C-T.
Other names: c.868+4C>T (NM_015384.5).
Identifiers: ClinVar variation 2733174 (VCV002733174.5), dbSNP rs751127087, ClinGen allele CA117029089.
Genomic context (GRCh38, chr5:36,972,045, plus strand): 5'-CCTTGAGATCTCCACAGCCAGTATGCTCCCCTGCTGGAAGTGAAGGAACTCCTAAAGGTA[C>T]TACTGTAACTAAAATTTCCTTCTGTATATTTTATATTTGAAGTTGAATAAAGAACTCAGA-3'